The following is an entry in ClinVar:

NM_020975.6(RET):c.944C>T (p.Thr315Ile)

Gene: RET (ret proto-oncogene; plus strand). Cytogenetic location: 10q11.21.
Variant type: single nucleotide variant.
Coding change: c.944C>T on transcript NM_020975.6 (MANE Select); coding-DNA position 944, C replaced by T.
Protein change: p.Thr315Ile; replaces threonine 315 with isoleucine.
Molecular consequence: missense variant. On other transcripts: intron variant (25).
Genome position (GRCh38, 1-based): chr10:43,106,452, C>T. VCF-style: chr10-43106452-C-T. GRCh37 (hg19) VCF-style: chr10-43601900-C-T.
Other names: c.944C>T, p.Thr315Ile (NM_000323.2, NM_001406743.1, NM_001406744.1 and 6 more transcripts); c.182C>T, p.Thr61Ile (NM_001355216.2); c.815C>T, p.Thr272Ile (NM_001406761.1, NM_001406762.1, NM_001406764.1 and 1 more transcripts); c.656C>T, p.Thr219Ile (NM_001406766.1, NM_001406767.1, NM_001406770.1); c.867+1259C>T (NM_001406772.1, NM_001406769.1); c.626-2579C>T (NM_001406773.1, NM_001406771.1); c.625+3823C>T (NM_001406782.1, NM_001406780.1, NM_001406779.1 and 3 more transcripts); c.738+1259C>T (NM_001406774.1); and 5 more; short protein forms T272I, T61I, T219I, T315I.
Identifiers: ClinVar variation 2754460 (VCV002754460.3), dbSNP rs2538403704, ClinGen allele CA376546039.

ClinVar aggregate classification (germline): Uncertain significance (1 of 4 stars; one submission).

Conditions:
Multiple endocrine neoplasia, type 2 (MEN2). Identifiers: Orphanet 653, MedGen C4048306, MONDO:0019003. Disease mechanism: gain of function.

gnomAD v4.1: 1 of 1,613,524 alleles (0.000062%); highest among the groups gnomAD compares: Non-Finnish European, 0.000085%; no homozygotes.

Submission:

Labcorp Genetics (formerly Invitae), Labcorp
Classification: Uncertain significance for Multiple endocrine neoplasia, type 2. Last evaluated: 2025-08-06. Review status: criteria provided, single submitter. Criteria: Invitae Variant Classification Sherloc (09022015). Collection method: clinical testing. Allele origin: germline.
Comment: This sequence change replaces threonine, which is neutral and polar, with isoleucine, which is neutral and non-polar, at codon 315 of the RET protein (p.Thr315Ile). This variant is not present in population databases (gnomAD no frequency). This variant has not been reported in the literature in individuals affected with RET-related conditions. ClinVar contains an entry for this variant (Variation ID: 2754460). An algorithm developed to predict the effect of missense changes on protein structure and function outputs the following: PolyPhen-2: "Probably Damaging". The isoleucine amino acid residue is found in multiple mammalian species, which suggests that this missense change does not adversely affect protein function. In summary, the available evidence is currently insufficient to determine the role of this variant in disease. Therefore, it has been classified as a Variant of Uncertain Significance.